The following is an entry in ClinVar:

ClinVar aggregate classification (germline): Conflicting classifications of pathogenicity. Review status: criteria provided, conflicting classifications (1 of 4 stars). 3 submissions from 3 submitters: Uncertain significance (2); Likely benign (1). Last evaluated 2026-10-01.

Conditions:
Inborn genetic diseases. Identifiers: MedGen C0950123, MeSH D030342.
Sotos syndrome (SOTOS). Also called: Sotos' syndrome; Distinctive facial appearance, overgrowth in childhood, and learning disabilities or delayed development; CHROMOSOME 5q35 DELETION SYNDROME; SOTOS SYNDROME 1; CEREBRAL GIGANTISM. Identifiers: Orphanet 821, MedGen C0175695, MONDO:0019349, OMIM 117550.

gnomAD v4.1: 4 of 1,613,870 alleles (0.00025%); highest among the groups gnomAD compares: African/African-American, 0.0053%; no homozygotes.

Submissions (3):

St. Jude Molecular Pathology, St. Jude Children's Research Hospital
Classification: Uncertain significance for Sotos syndrome. Last evaluated: 2026-10-01. Review status: criteria provided, single submitter. Criteria: St. Jude Assertion Criteria 2020. Collection method: clinical testing. Allele origin: germline.
Comment: The NSD1 c.2039C>T p.(Pro680Leu) missense change has a maximum subpopulation frequency of 0.01% in gnomAD v2.1.1. The in silico tool REVEL predicts a benign effect on protein function, but t o our knowledge this prediction has not been confirmed by functional studies. To our knowledge, this variant has not been reported in individuals with Sotos syndrome. In summary, the evidence currently available is insufficient to determine the clinical significance of this variant. It has therefore been classified as of uncertain significance (VUS-Low).

Ambry Genetics
Classification: Likely benign for Inborn genetic diseases. Last evaluated: 2025-03-04. Review status: criteria provided, single submitter. Criteria: Ambry Variant Classification Scheme 2023. Collection method: clinical testing. Allele origin: germline.

Fulgent Genetics
Classification: Uncertain significance for Sotos syndrome. Last evaluated: 2024-04-23. Review status: criteria provided, single submitter. Criteria: ACMG Guidelines, 2015. Collection method: clinical testing. Allele origin: germline.

NM_022455.5(NSD1):c.2846C>T (p.Pro949Leu)

Gene: NSD1 (nuclear receptor binding SET domain protein 1; plus strand). Cytogenetic location: 5q35.3.
Variant type: single nucleotide variant.
Coding change: c.2846C>T on transcript NM_022455.5 (MANE Select); coding-DNA position 2846, C replaced by T.
Protein change: p.Pro949Leu; replaces proline 949 with leucine.
Molecular consequence: missense variant.
Genome position (GRCh38, 1-based): chr5:177,211,245, C>T. VCF-style: chr5-177211245-C-T. GRCh37 (hg19) VCF-style: chr5-176638246-C-T.
Other names: c.2039C>T (NM_172349.2); c.1973C>T, p.Pro658Leu (NM_001365684.2, NM_001409306.1, NM_001409307.1 and 3 more transcripts); c.2846C>T, p.Pro949Leu (NM_001409301.1, NM_001409302.1, NM_001409303.1); c.2426C>T, p.Pro809Leu (NM_001409304.1); c.2093C>T, p.Pro698Leu (NM_001409305.1); short protein forms P949L, P658L, P698L, P809L.
Identifiers: ClinVar variation 3592017 (VCV003592017.3).